The following is an entry in ClinVar:

ClinVar aggregate classification (germline): Pathogenic (1 of 4 stars; one submission).

Conditions:
Amyotrophic lateral sclerosis type 12 (ALS12). Also called: AMYOTROPHIC LATERAL SCLEROSIS 12 WITH OR WITHOUT FRONTOTEMPORAL DEMENTIA. Identifiers: Orphanet 803, MedGen C3150692, MONDO:0013264, OMIM 613435.

Submission:

3billion
Classification: Pathogenic for Amyotrophic lateral sclerosis type 12. Last evaluated: 2023-07-28. Review status: criteria provided, single submitter. Criteria: ACMG Guidelines, 2015. Collection method: clinical testing. Allele origin: germline. Affected: yes.
Comment: The variant is observed at an extremely low frequency in the gnomAD v2.1.1 dataset (total allele frequency: 0.001%). Predicted Consequence/Location: Frameshift: predicted to result in a loss or disruption of normal protein function through nonsense-mediated decay (NMD) or protein truncation. Multiple pathogenic variants are reported downstream of the variant. Therefore, this variant is classified as Pathogenic according to the recommendation of ACMG/AMP guideline.

NM_001008212.2(OPTN):c.331_334dup (p.Gly112fs)

Genes: OPTN (optineurin; plus strand), LOC108903148 (10p13 OPTN distal Alu-mediated recombination region; plus strand). Cytogenetic location: 10p13.
Variant type: Duplication.
Coding change: c.331_334dup on transcript NM_001008212.2 (MANE Select); coding-DNA positions 331 to 334, 4 bases duplicated (CTTG; older notation c.331_334dupCTTG).
Protein change: p.Gly112fs; shifts the reading frame from glycine 112.
Molecular consequence: frameshift variant.
Genome position (GRCh38, 1-based): chr10:13,110,438-13,110,441, CTTG duplicated; duplicating any 4 consecutive bases within chr10:13,110,437-13,110,441 gives the same sequence; the c. name uses the placement nearest the transcript's 3' end. VCF-style (leftmost placement, unchanged base first): chr10-13110436-A-AGCTT. GRCh37 (hg19) VCF-style: chr10-13152436-A-AGCTT.
Other names: c.331_334dup, p.Gly112fs (NM_001008211.1, NM_001008213.1, NM_021980.4); short protein forms G112fs.
Identifiers: ClinVar variation 3776024 (VCV003776024.1).
Genomic context (GRCh38, chr10:13,110,436, plus strand): 5'-GCAAAGAAGCAAAAGAGCGTCTAATGGCCTTGAGTCATGAGAATGAGAAATTGAAGGAAG[A>AGCTT]GCTTGGAAAACTAAAAGGGAAATCAGAAAGGTCATCTGAGGTGAGCAGACCGATCCATTG-3'